The following is an entry in ClinVar:

NM_005337.5(NCKAP1L):c.2446G>A (p.Val816Ile)

Gene: NCKAP1L (NCK associated protein 1 like; plus strand). Cytogenetic location: 12q13.2.
Variant type: single nucleotide variant.
Coding change: c.2446G>A on transcript NM_005337.5 (MANE Select); coding-DNA position 2446, G replaced by A.
Protein change: p.Val816Ile; replaces valine 816 with isoleucine.
Molecular consequence: missense variant.
Genome position (GRCh38, 1-based): chr12:54,528,317, G>A. VCF-style: chr12-54528317-G-A. GRCh37 (hg19) VCF-style: chr12-54922101-G-A.
Other names: c.2446G>A (NM_005337.4); c.2296G>A, p.Val766Ile (NM_001184976.2); short protein forms V816I, V766I.
Identifiers: ClinVar variation 1980983 (VCV001980983.3), dbSNP rs763605512, ClinGen allele CA6609423.
Genomic context (GRCh38, chr12:54,528,317, plus strand): 5'-AGTCTGCTTAGACAGGCAAGCAGTGGGACCATCATCCTCTCCCCAGCCATGCAGGCCTTC[G>A]TCAGCCTGCCCAGAGAAGGGGAGCAGAACTTCAGTGCAGAGGAGTTCTCTGACATCTCTG-3'
Protein context (NP_005328.2, residues 806-826): IILSPAMQAF[Val816Ile]SLPREGEQNF

ClinVar aggregate classification (germline): Conflicting classifications of pathogenicity. Review status: criteria provided, conflicting classifications (1 of 4 stars). 3 submissions from 3 submitters: Uncertain significance (1); Likely benign (2). Last evaluated 2024-04-30.

Allele frequency attached by ClinVar (database versions not stated): TOPMed 0.00001; ExAC 0.00004; gnomAD exomes 0.00004.
gnomAD v4.1: 66 of 1,613,872 alleles (0.0041%); highest among the groups gnomAD compares: South Asian, 0.036%; no homozygotes.

Submissions (3):

Ambry Genetics
Classification: Likely benign. Last evaluated: 2024-04-30. Review status: criteria provided, single submitter. Criteria: Ambry Variant Classification Scheme 2023. Collection method: clinical testing. Allele origin: germline.

Blueprint Genetics
Classification: Likely benign. Last evaluated: 2024-02-19. Review status: criteria provided, single submitter. Criteria: ACMG Guidelines, 2015. Collection method: clinical testing. Allele origin: germline.

Labcorp Genetics (formerly Invitae), Labcorp
Classification: Uncertain significance. Last evaluated: 2022-07-11. Review status: criteria provided, single submitter. Criteria: Invitae Variant Classification Sherloc (09022015). Collection method: clinical testing. Allele origin: germline.
Comment: This sequence change replaces valine, which is neutral and non-polar, with isoleucine, which is neutral and non-polar, at codon 816 of the NCKAP1L protein (p.Val816Ile). This variant is present in population databases (rs763605512, gnomAD 0.03%). This variant has not been reported in the literature in individuals affected with NCKAP1L-related conditions. Algorithms developed to predict the effect of missense changes on protein structure and function output the following: SIFT: "Tolerated"; PolyPhen-2: "Benign"; Align-GVGD: "Class C0". The isoleucine amino acid residue is found in multiple mammalian species, which suggests that this missense change does not adversely affect protein function. In summary, the available evidence is currently insufficient to determine the role of this variant in disease. Therefore, it has been classified as a Variant of Uncertain Significance.